The following is an entry in ClinVar:

NM_006662.3(SRCAP):c.7064G>T (p.Arg2355Leu)

Gene: SRCAP (Snf2 related CREBBP activator protein; plus strand). Cytogenetic location: 16p11.2.
Variant type: single nucleotide variant.
Coding change: c.7064G>T on transcript NM_006662.3 (MANE Select); coding-DNA position 7064, G replaced by T.
Protein change: p.Arg2355Leu; replaces arginine 2355 with leucine.
Molecular consequence: missense variant.
Genome position (GRCh38, 1-based): chr16:30,737,104, G>T. VCF-style: chr16-30737104-G-T. GRCh37 (hg19) VCF-style: chr16-30748425-G-T.
Other names: short protein forms R2355L.
Identifiers: ClinVar variation 2646405 (VCV002646405.24), dbSNP rs2506725541, ClinGen allele CA395632050.

ClinVar aggregate classification (germline): Uncertain significance (1 of 4 stars; one submission).

Submission:

CeGaT Center for Human Genetics Tuebingen
Classification: Uncertain significance. Last evaluated: 2023-10-01. Review status: criteria provided, single submitter. Criteria: CeGaT Center For Human Genetics Tuebingen Variant Classification Criteria Version 2. Collection method: clinical testing. Allele origin: germline. Affected: yes. Observed: 1 variant allele.
Comment: SRCAP: PM2